The following is an entry in ClinVar:

ClinVar aggregate classification (germline): Uncertain significance. Review status: criteria provided, multiple submitters, no conflicts (2 of 4 stars). 3 submissions from 3 submitters: Uncertain significance (3). Last evaluated 2025-02-05.

Conditions:
LAMA2-related muscular dystrophy (LAMA2-RD). Also called: Laminin alpha 2-related dystrophy. Identifiers: MedGen C5679788, MONDO:0100228.

Allele frequency attached by ClinVar (database versions not stated): ExAC 0.00001; gnomAD exomes 0.00001 and 0.00002.

Submissions (3):

Revvity Omics, Revvity
Classification: Uncertain significance. Last evaluated: 2025-02-05. Review status: criteria provided, single submitter. Criteria: ACMG Guidelines, 2015. Collection method: clinical testing. Allele origin: germline.

Labcorp Genetics (formerly Invitae), Labcorp
Classification: Uncertain significance for LAMA2-related muscular dystrophy. Last evaluated: 2022-07-21. Review status: criteria provided, single submitter. Criteria: Invitae Variant Classification Sherloc (09022015). Collection method: clinical testing. Allele origin: germline.
Comment: This sequence change replaces serine, which is neutral and polar, with asparagine, which is neutral and polar, at codon 112 of the LAMA2 protein (p.Ser112Asn). This variant is present in population databases (rs754373965, gnomAD 0.006%). This variant has not been reported in the literature in individuals affected with LAMA2-related conditions. ClinVar contains an entry for this variant (Variation ID: 1309628). Algorithms developed to predict the effect of missense changes on protein structure and function are either unavailable or do not agree on the potential impact of this missense change (SIFT: "Deleterious"; PolyPhen-2: "Probably Damaging"; Align-GVGD: "Class C0"). In summary, the available evidence is currently insufficient to determine the role of this variant in disease. Therefore, it has been classified as a Variant of Uncertain Significance.

GeneDx
Classification: Uncertain significance. Last evaluated: 2019-10-29. Review status: criteria provided, single submitter. Criteria: GeneDx Variant Classification Process June 2021. Collection method: clinical testing. Allele origin: germline. Affected: yes.
Comment: Has not been previously published as pathogenic or benign to our knowledge; Not observed at a significant frequency in large population cohorts (Lek et al., 2016); In silico analysis, which includes protein predictors and evolutionary conservation, supports a deleterious effect

NM_000426.4(LAMA2):c.335G>A (p.Ser112Asn)

Gene: LAMA2 (laminin subunit alpha 2; plus strand). Cytogenetic location: 6q22.33.
Variant type: single nucleotide variant.
Coding change: c.335G>A on transcript NM_000426.4 (MANE Select); coding-DNA position 335, G replaced by A.
Protein change: p.Ser112Asn; replaces serine 112 with asparagine.
Molecular consequence: missense variant.
Genome position (GRCh38, 1-based): chr6:129,059,835, G>A. VCF-style: chr6-129059835-G-A. GRCh37 (hg19) VCF-style: chr6-129380980-G-A.
Other names: c.335G>A, p.Ser112Asn (NM_001079823.2); short protein forms S112N.
Identifiers: ClinVar variation 1309628 (VCV001309628.5), dbSNP rs754373965, ClinGen allele CA3992296.